The following is an entry in ClinVar:

ClinVar aggregate classification (germline): not provided (0 of 4 stars; one submission).

Allele frequency attached by ClinVar (database versions not stated): gnomAD exomes 0.00004; 1000 Genomes Project 30x 0.00016; 1000 Genomes Project 0.00020; gnomAD 0.00020; TOPMed 0.00022.
gnomAD v4.1: 51 of 608,268 alleles (0.0084%); highest among the groups gnomAD compares: African/African-American, 0.074%; no homozygotes.

Submission:

Human Evolutionary Genetics, Institut Pasteur
No classification provided. Review status: no classification provided. Collection method: not provided. Allele origin: germline.
ClinVar note: Converted during submission from untested to not provided.

NM_001384950.1(NLRC5):c.3506+149T>C

Gene: NLRC5 (NLR family CARD domain containing 5; plus strand). Cytogenetic location: 16q13.
Variant type: single nucleotide variant.
Coding change: c.3506+149T>C on transcript NM_001384950.1 (MANE Select); 149 bases into the intron after coding-DNA position 3506, T replaced by C.
Molecular consequence: intron variant.
Genome position (GRCh38, 1-based): chr16:57,051,770, T>C. VCF-style: chr16-57051770-T-C. GRCh37 (hg19) VCF-style: chr16-57085682-T-C.
Other names: c.3506+149T>C (NM_001384954.1, NM_001384953.1, NM_001384957.1 and 16 more transcripts); c.3332+149T>C (NM_001384960.1); c.3416+149T>C (NM_001384967.1, NM_001384968.1); c.3422+149T>C (NM_001384965.1); c.3266+149T>C (NM_001384972.1).
Identifiers: ClinVar variation 103178 (VCV000103178.2), dbSNP rs199475996, ClinGen allele CA230224.